The following is an entry in ClinVar:

ClinVar aggregate classification (germline): Likely benign (1 of 4 stars; one submission).

Allele frequency attached by ClinVar (database versions not stated): TOPMed 0.00002; gnomAD exomes 0.00001; ExAC 0.00001; gnomAD 0.00001.
gnomAD v4.1: 18 of 1,613,290 alleles (0.0011%); highest among the groups gnomAD compares: Non-Finnish European, 0.0015%; no homozygotes.

Submission:

GeneDx
Classification: Likely benign. Last evaluated: 2018-05-08. Review status: criteria provided, single submitter. Criteria: GeneDx Variant Classification (06012015). Collection method: clinical testing. Allele origin: germline. Affected: yes.
Comment: This variant is considered likely benign or benign based on one or more of the following criteria: it is a conservative change, it occurs at a poorly conserved position in the protein, it is predicted to be benign by multiple in silico algorithms, and/or has population frequency not consistent with disease.

NM_001160148.2(DDHD1):c.2031C>T (p.Ser677=)

Gene: DDHD1 (DDHD domain containing 1; minus strand). Cytogenetic location: 14q22.1.
Variant type: single nucleotide variant.
Coding change: c.2031C>T on transcript NM_001160148.2 (MANE Select); coding-DNA position 2031, C replaced by T.
Protein change: p.Ser677=; no amino-acid change (serine 677 retained).
Molecular consequence: synonymous variant.
Genome position (GRCh38, 1-based): chr14:53,055,874, G>A on the plus strand (C>T on the coding strand, the complement: DDHD1 is on the minus strand). VCF-style: chr14-53055874-G-A. GRCh37 (hg19) VCF-style: chr14-53522592-G-A.
Other names: c.2052C>T, p.Ser684= (NM_001160147.2); c.2031C>T, p.Ser677= (NM_030637.3).
Identifiers: ClinVar variation 682212 (VCV000682212.1), dbSNP rs772845212, ClinGen allele CA7191056.